The following is an entry in ClinVar:

NM_182919.4(TICAM1):c.427C>T (p.Arg143Trp)

Gene: TICAM1 (TIR domain containing adaptor molecule 1; minus strand). Cytogenetic location: 19p13.3.
Variant type: single nucleotide variant.
Coding change: c.427C>T on transcript NM_182919.4 (MANE Select); coding-DNA position 427, C replaced by T.
Protein change: p.Arg143Trp; replaces arginine 143 with tryptophan.
Molecular consequence: missense variant. On other transcripts: intron variant (1).
Genome position (GRCh38, 1-based): chr19:4,817,951, G>A on the plus strand (C>T on the coding strand, the complement: TICAM1 is on the minus strand). VCF-style: chr19-4817951-G-A. GRCh37 (hg19) VCF-style: chr19-4817963-G-A.
Other names: c.385C>T, p.Arg129Trp (NM_001385678.1); c.292C>T, p.Arg98Trp (NM_001385679.1); c.-71-145C>T (NM_001385680.1); c.427C>T (NM_182919.2); short protein forms R143W, R129W, R98W.
Identifiers: ClinVar variation 2199601 (VCV002199601.5), dbSNP rs764694460, ClinGen allele CA9105355.

ClinVar aggregate classification (germline): Uncertain significance. Review status: criteria provided, multiple submitters, no conflicts (2 of 4 stars). 2 submissions from 2 submitters: Uncertain significance (2). Last evaluated 2025-05-30.

Conditions:
Encephalopathy, acute, infection-induced (herpes-specific), susceptibility to, 6. Also called: Herpes simplex encephalitis, susceptibility to, 4. Identifiers: Orphanet 1930, MedGen C3553869, MONDO:0013921, OMIM 614850.

Allele frequency attached by ClinVar (database versions not stated): gnomAD 0.00001; TOPMed 0.00002; ExAC 0.00007.

Submissions (2):

Ambry Genetics
Classification: Uncertain significance. Last evaluated: 2025-05-30. Review status: criteria provided, single submitter. Criteria: Ambry Variant Classification Scheme 2023. Collection method: clinical testing. Allele origin: germline.

Labcorp Genetics (formerly Invitae), Labcorp
Classification: Uncertain significance for Encephalopathy, acute, infection-induced (herpes-specific), susceptibility to, 6. Last evaluated: 2022-03-26. Review status: criteria provided, single submitter. Criteria: Invitae Variant Classification Sherloc (09022015). Collection method: clinical testing. Allele origin: germline.
Comment: In summary, the available evidence is currently insufficient to determine the role of this variant in disease. Therefore, it has been classified as a Variant of Uncertain Significance. Algorithms developed to predict the effect of missense changes on protein structure and function are either unavailable or do not agree on the potential impact of this missense change (SIFT: "Deleterious"; PolyPhen-2: "Probably Damaging"; Align-GVGD: "Class C0"). This variant has not been reported in the literature in individuals affected with TICAM1-related conditions. This variant is present in population databases (rs764694460, gnomAD 0.08%). This sequence change replaces arginine, which is basic and polar, with tryptophan, which is neutral and slightly polar, at codon 143 of the TICAM1 protein (p.Arg143Trp).